The following is an entry in ClinVar:

NM_001374736.1(DST):c.4741A>G (p.Met1581Val)

Gene: DST (dystonin; minus strand). Cytogenetic location: 6p12.1.
Variant type: single nucleotide variant.
Coding change: c.4741A>G on transcript NM_001374736.1 (MANE Select); coding-DNA position 4741, A replaced by G.
Protein change: p.Met1581Val; replaces methionine 1581 with valine.
Molecular consequence: missense variant.
Genome position (GRCh38, 1-based): chr6:56,625,246, T>C on the plus strand (A>G on the coding strand, the complement: DST is on the minus strand). VCF-style: chr6-56625246-T-C. GRCh37 (hg19) VCF-style: chr6-56490044-T-C.
Other names: c.4642A>G, p.Met1548Val (NM_001144769.5); c.4228A>G, p.Met1410Val (NM_001144770.2); c.4741A>G, p.Met1581Val (NM_001374722.1); c.4108A>G, p.Met1370Val (NM_001374729.1, NM_001374730.1, NM_001386100.1 and 1 more transcripts); c.4768A>G, p.Met1590Val (NM_001374734.1); c.3130A>G, p.Met1044Val (NM_001723.7, NM_015548.5); short protein forms M1044V, M1410V, M1581V, M1590V, M1548V, M1370V.
Identifiers: ClinVar variation 1045026 (VCV001045026.29), dbSNP rs771920908, ClinGen allele CA3870811.

ClinVar aggregate classification (germline): Uncertain significance. Review status: criteria provided, multiple submitters, no conflicts (2 of 4 stars). 2 submissions from 2 submitters: Uncertain significance (2). Last evaluated 2026-01-18.

Conditions:
Epidermolysis bullosa simplex 3, localized or generalized intermediate, with BP230 deficiency (EBS3). Also called: Epidermolysis bullosa simplex due to BP230 deficiency; Epidermolysis bullosa simplex, autosomal recessive 2. Identifiers: Orphanet 412181, MedGen C3809470, MONDO:0014180, OMIM 615425.
Hereditary sensory and autonomic neuropathy type 6. Also called: HSAN VI; Neuropathy, hereditary sensory and autonomic, type VI. Identifiers: Orphanet 314381, MedGen C3539003, MONDO:0013839, OMIM 614653.

Allele frequency attached by ClinVar (database versions not stated): ExAC 0.00002; gnomAD exomes 0.00002 and 0.00006; gnomAD 0.00005 and 0.00006; TOPMed 0.00005.

Submissions (2):

Labcorp Genetics (formerly Invitae), Labcorp
Classification: Uncertain significance for Epidermolysis bullosa simplex 3, localized or generalized intermediate, with BP230 deficiency; Hereditary sensory and autonomic neuropathy type 6. Last evaluated: 2026-01-18. Review status: criteria provided, single submitter. Criteria: Invitae Variant Classification Sherloc (09022015). Collection method: clinical testing. Allele origin: germline.
Comment: This sequence change replaces methionine, which is neutral and non-polar, with valine, which is neutral and non-polar, at codon 1044 of the DST protein (p.Met1044Val). This variant is present in population databases (rs771920908, gnomAD 0.02%). This variant has not been reported in the literature in individuals affected with DST-related conditions. ClinVar contains an entry for this variant (Variation ID: 1045026). An algorithm developed to predict the effect of missense changes on protein structure and function (PolyPhen-2) suggests that this variant is likely to be disruptive. In summary, the available evidence is currently insufficient to determine the role of this variant in disease. Therefore, it has been classified as a Variant of Uncertain Significance.

CeGaT Center for Human Genetics Tuebingen
Classification: Uncertain significance. Last evaluated: 2024-01-01. Review status: criteria provided, single submitter. Criteria: CeGaT Center For Human Genetics Tuebingen Variant Classification Criteria Version 2. Collection method: clinical testing. Allele origin: germline. Affected: yes. Observed: 1 variant allele.
Comment: DST: PM2, BP1